The following is an entry in ClinVar:

NM_000038.6(APC):c.5244C>T (p.Asp1748=)

Gene: APC (APC regulator of Wnt signaling pathway; plus strand). Cytogenetic location: 5q22.2.
Variant type: single nucleotide variant.
Coding change: c.5244C>T on transcript NM_000038.6 (MANE Select); coding-DNA position 5244, C replaced by T.
Protein change: p.Asp1748=; no amino-acid change (aspartic acid 1748 retained).
Molecular consequence: synonymous variant.
Genome position (GRCh38, 1-based): chr5:112,840,838, C>T. VCF-style: chr5-112840838-C-T. GRCh37 (hg19) VCF-style: chr5-112176535-C-T.
Other names: c.5244C>T, p.Asp1748= (NM_001127510.3, NM_001354895.2); c.5190C>T, p.Asp1730= (NM_001127511.3); c.5298C>T, p.Asp1766= (NM_001354896.2); c.5274C>T, p.Asp1758= (NM_001354897.2); c.5169C>T, p.Asp1723= (NM_001354898.2); c.5160C>T, p.Asp1720= (NM_001354899.2); c.5121C>T, p.Asp1707= (NM_001354900.2); c.5067C>T, p.Asp1689= (NM_001354901.2); and 5 more.
Identifiers: ClinVar variation 490299 (VCV000490299.21), dbSNP rs748776990, ClinGen allele CA041032.

ClinVar aggregate classification (germline): Conflicting classifications of pathogenicity. Review status: criteria provided, conflicting classifications (1 of 4 stars). 7 submissions from 7 submitters: Uncertain significance (1); Benign (2); Likely benign (4). Last evaluated 2026-01-25.

Conditions:
Familial adenomatous polyposis 1 (FAP1). Also called: POLYPOSIS, ADENOMATOUS INTESTINAL; FAMILIAL ADENOMATOUS POLYPOSIS 1, ATTENUATED. Identifiers: MedGen C2713442, MONDO:0021056, OMIM 175100. Disease mechanism: loss of function.
Hereditary cancer-predisposing syndrome. Also called: Hereditary Cancer Syndrome; Neoplastic Syndromes, Hereditary; Tumor predisposition; Hereditary neoplastic syndrome. Identifiers: Orphanet 140162, MedGen C0027672, MeSH D009386, MONDO:0015356.
Classic or attenuated familial adenomatous polyposis. Identifiers: MedGen CN372698, MONDO:0021057.

Allele frequency attached by ClinVar (database versions not stated): ExAC 0.00001; gnomAD exomes 0.00001; TOPMed 0.00001.
gnomAD v4.1: 3 of 1,614,096 alleles (0.00019%); highest among the groups gnomAD compares: South Asian, 0.0022%; no homozygotes.

Submissions (7):

Labcorp Genetics (formerly Invitae), Labcorp
Classification: Likely benign for Familial adenomatous polyposis 1. Last evaluated: 2026-01-25. Review status: criteria provided, single submitter. Criteria: Invitae Variant Classification Sherloc (09022015). Collection method: clinical testing. Allele origin: germline.

Myriad Genetics, Inc.
Classification: Benign for Familial adenomatous polyposis 1. Last evaluated: 2024-04-01. Review status: criteria provided, single submitter. Criteria: Myriad Autosomal Dominant, Autosomal Recessive and X-Linked Classification Criteria (2023). Collection method: clinical testing. Allele origin: unknown.
Comment: This variant is considered benign. This variant is a silent/synonymous amino acid change and it is not expected to impact splicing.

Quest Diagnostics Nichols Institute San Juan Capistrano
Classification: Uncertain significance. Last evaluated: 2024-03-22. Review status: criteria provided, single submitter. Criteria: Quest Diagnostics criteria. Collection method: clinical testing. Allele origin: unknown.
Comment: The APC c.5244C>T (p.Asp1748=) synonymous variant has not been reported in individuals with APC-related conditions in the published literature. The frequency of this variant in the general population, 0.000008 (2/250606 chromosomes (Genome Aggregation Database)), is uninformative in the assessment of its pathogenicity. Analysis of this variant using software algorithms for the prediction of the effect of nucleotide changes on splicing yielded predictions that this variant does not affect APC mRNA splicing. Based on the available information, we are unable to determine the clinical significance of this variant.

All of Us Research Program, National Institutes of Health
Classification: Likely benign for Classic or attenuated familial adenomatous polyposis. Last evaluated: 2023-11-20. Review status: criteria provided, single submitter. Criteria: ACMG Guidelines, 2015. Collection method: clinical testing. Allele origin: germline. Inheritance: Autosomal dominant inheritance. Observed: 4 variant alleles, 4 heterozygotes.
Comment: This study involves interpretation of variants in research participants for the purpose of population health screening. Participant phenotype was not available at the time of variant classification. Additional details can be found in publication PMID: 35346344, PMCID: PMC8962531

Ambry Genetics
Classification: Likely benign for Hereditary cancer-predisposing syndrome. Last evaluated: 2021-02-28. Review status: criteria provided, single submitter. Criteria: Ambry Variant Classification Scheme 2023. Collection method: clinical testing. Allele origin: germline.

Color Diagnostics, LLC DBA Color Health
Classification: Likely benign for Hereditary cancer-predisposing syndrome. Last evaluated: 2016-12-22. Review status: criteria provided, single submitter. Criteria: ACMG Guidelines, 2015. Collection method: clinical testing. Allele origin: germline.

GeneDx
Classification: Benign. Last evaluated: 2015-05-20. Review status: criteria provided, single submitter. Criteria: GeneDx Variant Classification Process June 2021. Collection method: clinical testing. Allele origin: germline. Affected: yes.